The following is an entry in ClinVar:

ClinVar aggregate classification (germline): Uncertain significance. Review status: criteria provided, multiple submitters, no conflicts (2 of 4 stars). 2 submissions from 2 submitters: Uncertain significance (2). Last evaluated 2024-07-08.

Conditions:
Fanconi anemia complementation group O. Also called: RAD51C-Related Fanconi Anemia. Identifiers: Orphanet 84, MedGen C3150653, MONDO:0013248, OMIM 613390.

Allele frequency attached by ClinVar (database versions not stated): TOPMed below 0.00001.

Submissions (2):

GeneDx
Classification: Uncertain significance. Last evaluated: 2024-07-08. Review status: criteria provided, single submitter. Criteria: GeneDx Variant Classification Process June 2021. Collection method: clinical testing. Allele origin: germline. Affected: yes.
Comment: Not observed at significant frequency in large population cohorts (gnomAD); In silico analysis indicates that this missense variant does not alter protein structure/function; Has not been previously published as pathogenic or benign to our knowledge

Labcorp Genetics (formerly Invitae), Labcorp
Classification: Uncertain significance for Fanconi anemia complementation group O. Last evaluated: 2024-04-02. Review status: criteria provided, single submitter. Criteria: Invitae Variant Classification Sherloc (09022015). Collection method: clinical testing. Allele origin: germline.
Comment: This sequence change replaces leucine, which is neutral and non-polar, with valine, which is neutral and non-polar, at codon 88 of the RAD51C protein (p.Leu88Val). This variant is not present in population databases (gnomAD no frequency). This variant has not been reported in the literature in individuals affected with RAD51C-related conditions. ClinVar contains an entry for this variant (Variation ID: 538781). Advanced modeling of protein sequence and biophysical properties (such as structural, functional, and spatial information, amino acid conservation, physicochemical variation, residue mobility, and thermodynamic stability) has been performed at Invitae for this missense variant, however the output from this modeling did not meet the statistical confidence thresholds required to predict the impact of this variant on RAD51C protein function. In summary, the available evidence is currently insufficient to determine the role of this variant in disease. Therefore, it has been classified as a Variant of Uncertain Significance.

NM_058216.3(RAD51C):c.262C>G (p.Leu88Val)

Gene: RAD51C (RAD51 paralog C; plus strand). Cytogenetic location: 17q22.
Variant type: single nucleotide variant.
Coding change: c.262C>G on transcript NM_058216.3 (MANE Select); coding-DNA position 262, C replaced by G.
Protein change: p.Leu88Val; replaces leucine 88 with valine.
Molecular consequence: missense variant. On other transcripts: non-coding transcript variant (2).
Genome position (GRCh38, 1-based): chr17:58,695,047, C>G. VCF-style: chr17-58695047-C-G. GRCh37 (hg19) VCF-style: chr17-56772408-C-G.
Other names: c.262C>G, p.Leu88Val (NM_002876.4); c.262C>G (NM_058216.1); short protein forms L88V.
Identifiers: ClinVar variation 538781 (VCV000538781.9), dbSNP rs786201383, ClinGen allele CA400340554.